The following is an entry in ClinVar:

NC_000007.13:g.(?_73480004)_(73481126_?)del

Gene: ELN (elastin; plus strand). Cytogenetic location: 7q11.23.
Variant type: Deletion.
Identifiers: ClinVar variation 2424092 (VCV002424092.4).

ClinVar aggregate classification (germline): Uncertain significance (1 of 4 stars; one submission).

Conditions:
Supravalvar aortic stenosis (SVAS). Also called: Supravalvar aortic stenosis, Eisenberg type. Identifiers: Orphanet 3193, MedGen C0003499, MONDO:0008504, OMIM 185500, HP:0004381.

Submission:

Labcorp Genetics (formerly Invitae), Labcorp
Classification: Uncertain significance for Supravalvar aortic stenosis. Last evaluated: 2022-02-09. Review status: criteria provided, single submitter. Criteria: Invitae Variant Classification Sherloc (09022015). Collection method: clinical testing. Allele origin: germline.
Comment: This variant is a gross deletion of the genomic region encompassing exon(s) 31-33 of the ELN gene. This variant would be expected to be in-frame, preserving the integrity of the reading frame. This variant has not been reported in the literature in individuals affected with ELN-related conditions. Experimental studies and prediction algorithms are not available or were not evaluated, and the functional significance of this variant is currently unknown. In summary, the available evidence is currently insufficient to determine the role of this variant in disease. Therefore, it has been classified as a Variant of Uncertain Significance.